The following is an entry in ClinVar:

ClinVar aggregate classification (germline): Conflicting classifications of pathogenicity. Review status: criteria provided, conflicting classifications (1 of 4 stars). 4 submissions from 4 submitters: Uncertain significance (2); Likely benign (1). 1 of the submissions does not count toward it. Last evaluated 2024-05-06.

Conditions:
NPHP1-related disorder. Also called: NPHP1-related disorders; NPHP1-related condition.
Nephronophthisis. Also called: Juvenile Nephronophthisis. Identifiers: Orphanet 655, MedGen C0687120, MONDO:0019005, HP:0000090.
Nephronophthisis 1 (NPHP1). Also called: Nephronophthisis familial juvenile. Identifiers: Orphanet 655, Orphanet 93592, MedGen C1855681, MONDO:0009728, OMIM 256100.
Joubert syndrome with renal defect. Also called: JOUBERT SYNDROME 4. Identifiers: Orphanet 220497, MedGen C1846790, MONDO:0012308, OMIM 609583.
Senior-Loken syndrome 1 (SLSN1). Also called: JUVENILE NEPHRONOPHTHISIS WITH LEBER AMAUROSIS. Identifiers: Orphanet 3156, MedGen C4551559, MONDO:0009962, OMIM 266900.
Inborn genetic diseases. Identifiers: MedGen C0950123, MeSH D030342.

Allele frequency attached by ClinVar (database versions not stated): ExAC 0.00010; gnomAD exomes 0.00012 and 0.00006; 1000 Genomes Project 30x 0.00016; 1000 Genomes Project 0.00020; gnomAD 0.00004.
gnomAD v4.1: 86 of 1,612,534 alleles (0.0053%); highest among the groups gnomAD compares: South Asian, 0.092%; 1 homozygote.

Submissions (4):

Labcorp Genetics (formerly Invitae), Labcorp
Classification: Uncertain significance for Nephronophthisis. Last evaluated: 2024-05-06. Review status: criteria provided, single submitter. Criteria: Invitae Variant Classification Sherloc (09022015). Collection method: clinical testing. Allele origin: germline.
Comment: This sequence change replaces glycine, which is neutral and non-polar, with aspartic acid, which is acidic and polar, at codon 200 of the NPHP1 protein (p.Gly200Asp). This variant is present in population databases (rs373951297, gnomAD 0.1%). This variant has not been reported in the literature in individuals affected with NPHP1-related conditions. ClinVar contains an entry for this variant (Variation ID: 1351819). Advanced modeling of protein sequence and biophysical properties (such as structural, functional, and spatial information, amino acid conservation, physicochemical variation, residue mobility, and thermodynamic stability) has been performed at Invitae for this missense variant, however the output from this modeling did not meet the statistical confidence thresholds required to predict the impact of this variant on NPHP1 protein function. In summary, the available evidence is currently insufficient to determine the role of this variant in disease. Therefore, it has been classified as a Variant of Uncertain Significance.

Ambry Genetics
Classification: Likely benign for Inborn genetic diseases. Last evaluated: 2022-11-30. Review status: criteria provided, single submitter. Criteria: Ambry Variant Classification Scheme 2023. Collection method: clinical testing. Allele origin: germline.

Fulgent Genetics
Classification: Uncertain significance for Nephronophthisis 1; Senior-Loken syndrome 1; Joubert syndrome with renal defect. Last evaluated: 2022-01-31. Review status: criteria provided, single submitter. Criteria: ACMG Guidelines, 2015. Collection method: clinical testing. Allele origin: unknown.

PreventionGenetics, part of Exact Sciences
Classification: Uncertain significance for NPHP1-related condition. Last evaluated: 2024-08-01. Review status: no assertion criteria provided. Collection method: clinical testing. Allele origin: germline. Not counted in ClinVar's aggregate classification.
Comment: The NPHP1 c.599G>A variant is predicted to result in the amino acid substitution p.Gly200Asp. To our knowledge, this variant has not been reported in the literature. This variant is reported in 0.098% of alleles in individuals of South Asian descent in gnomAD. At this time, the clinical significance of this variant is uncertain due to the absence of conclusive functional and genetic evidence.

NM_001128178.3(NPHP1):c.599G>A (p.Gly200Asp)

Gene: NPHP1 (nephrocystin 1; minus strand). Cytogenetic location: 2q13.
Variant type: single nucleotide variant.
Coding change: c.599G>A on transcript NM_001128178.3 (MANE Select); coding-DNA position 599, G replaced by A.
Protein change: p.Gly200Asp; replaces glycine 200 with aspartic acid.
Molecular consequence: missense variant.
Genome position (GRCh38, 1-based): chr2:110,168,477, C>T on the plus strand (G>A on the coding strand, the complement: NPHP1 is on the minus strand). VCF-style: chr2-110168477-C-T. GRCh37 (hg19) VCF-style: chr2-110926054-C-T.
Other names: c.599G>A, p.Gly200Asp (NM_000272.5, NM_001374256.1, NM_001374257.1 and 1 more transcripts); c.413G>A, p.Gly138Asp (NM_001128179.3); c.599G>A (NM_000272.3); short protein forms G138D, G200D.
Identifiers: ClinVar variation 1351819 (VCV001351819.9), dbSNP rs373951297, ClinGen allele CA1827351.